The following is an entry in ClinVar:

ClinVar aggregate classification (germline): Uncertain significance (1 of 4 stars; one submission).

Allele frequency attached by ClinVar (database versions not stated): gnomAD exomes 0.00001 and 0.00002; TOPMed 0.00001; ExAC 0.00002; gnomAD 0.00002.
gnomAD v4.1: 21 of 1,610,574 alleles (0.0013%); highest among the groups gnomAD compares: Non-Finnish European, 0.0017%; no homozygotes.

Submission:

Labcorp Genetics (formerly Invitae), Labcorp
Classification: Uncertain significance. Last evaluated: 2022-06-13. Review status: criteria provided, single submitter. Criteria: Invitae Variant Classification Sherloc (09022015). Collection method: clinical testing. Allele origin: germline.
Comment: This sequence change replaces glutamic acid, which is acidic and polar, with lysine, which is basic and polar, at codon 358 of the MNX1 protein (p.Glu358Lys). This variant is present in population databases (rs763970676, gnomAD 0.004%). This variant has not been reported in the literature in individuals affected with MNX1-related conditions. Algorithms developed to predict the effect of missense changes on protein structure and function are either unavailable or do not agree on the potential impact of this missense change (SIFT: "Deleterious"; PolyPhen-2: "Benign"; Align-GVGD: "Class C0"). In summary, the available evidence is currently insufficient to determine the role of this variant in disease. Therefore, it has been classified as a Variant of Uncertain Significance.

NM_005515.4(MNX1):c.1072G>A (p.Glu358Lys)

Gene: MNX1 (motor neuron and pancreas homeobox 1; minus strand). Cytogenetic location: 7q36.3.
Variant type: single nucleotide variant.
Coding change: c.1072G>A on transcript NM_005515.4 (MANE Select); coding-DNA position 1072, G replaced by A.
Protein change: p.Glu358Lys; replaces glutamic acid 358 with lysine.
Molecular consequence: missense variant.
Genome position (GRCh38, 1-based): chr7:157,005,654, C>T on the plus strand (G>A on the coding strand, the complement: MNX1 is on the minus strand). VCF-style: chr7-157005654-C-T. GRCh37 (hg19) VCF-style: chr7-156798348-C-T.
Other names: c.436G>A, p.Glu146Lys (NM_001165255.2); short protein forms E146K, E358K.
Identifiers: ClinVar variation 1503474 (VCV001503474.3), dbSNP rs763970676, ClinGen allele CA4589125.